The following is an entry in ClinVar:

ClinVar aggregate classification (germline): Pathogenic (1 of 4 stars; one submission).

Conditions:
Hereditary breast ovarian cancer syndrome. Also called: Hereditary breast and ovarian cancer syndrome; Hereditary breast and ovarian cancer; Hereditary breast and ovarian cancer syndrome (HBOC); Breast and ovarian cancer; Hereditary breast and/or ovarian cancer syndrome; BRCA1- and BRCA2-Associated Hereditary Breast and Ovarian Cancer. Identifiers: Orphanet 145, MedGen C0677776, MeSH D061325, MONDO:0003582. Disease mechanism: loss of function.

Submission:

Labcorp Genetics (formerly Invitae), Labcorp
Classification: Pathogenic for Hereditary breast ovarian cancer syndrome. Last evaluated: 2024-01-07. Review status: criteria provided, single submitter. Criteria: Invitae Variant Classification Sherloc (09022015). Collection method: clinical testing. Allele origin: unknown.
Comment: This variant is a gross deletion of the genomic region encompassing exon(s) 8-18 of the BRCA1 gene. This deletion is out-of-frame, and is expected to create a premature termination codon and result in an absent or disrupted protein product. Loss-of-function variants in BRCA1 are known to be pathogenic (PMID: 20104584). This variant has not been reported in the literature in individuals affected with BRCA1-related conditions. For these reasons, this variant has been classified as Pathogenic.

Literature cited by the submitters: PubMed 20104584.

NC_000017.10:g.(?_41215330)_(41249326_?)del

Gene: BRCA1 (BRCA1 DNA repair associated; minus strand). Cytogenetic location: 17q21.31.
Variant type: Deletion.
Identifiers: ClinVar variation 3242994 (VCV003242994.1).